The following is an entry in ClinVar:

NM_001852.4(COL9A2):c.1901A>G (p.Asn634Ser)

Gene: COL9A2 (collagen type IX alpha 2 chain; minus strand). Cytogenetic location: 1p34.2.
Variant type: single nucleotide variant.
Coding change: c.1901A>G on transcript NM_001852.4 (MANE Select); coding-DNA position 1901, A replaced by G.
Protein change: p.Asn634Ser; replaces asparagine 634 with serine.
Molecular consequence: missense variant.
Genome position (GRCh38, 1-based): chr1:40,301,351, T>C on the plus strand (A>G on the coding strand, the complement: COL9A2 is on the minus strand). VCF-style: chr1-40301351-T-C. GRCh37 (hg19) VCF-style: chr1-40767023-T-C.
Other names: short protein forms N634S.
Identifiers: ClinVar variation 1431482 (VCV001431482.10), dbSNP rs769578991, ClinGen allele CA791281.

ClinVar aggregate classification (germline): Uncertain significance. Review status: criteria provided, multiple submitters, no conflicts (2 of 4 stars). 2 submissions from 2 submitters: Uncertain significance (2). Last evaluated 2026-02-23.

Allele frequency attached by ClinVar (database versions not stated): gnomAD exomes 0.00003 and 0.00005; TOPMed 0.00003; ExAC 0.00003; gnomAD 0.00001.
gnomAD v4.1: 80 of 1,608,818 alleles (0.005%); highest among the groups gnomAD compares: Non-Finnish European, 0.0065%; no homozygotes.

Submissions (2):

GeneDx
Classification: Uncertain significance. Last evaluated: 2026-02-23. Review status: criteria provided, single submitter. Criteria: GeneDx Variant Classification Process June 2021. Collection method: clinical testing. Allele origin: germline.
Comment: Reported in an individual with adolescent idiopathic scoliosis (PMID: 26566670); In silico analysis supports that this missense variant does not alter protein structure/function; This variant is associated with the following publications: (PMID: 26566670)

Labcorp Genetics (formerly Invitae), Labcorp
Classification: Uncertain significance. Last evaluated: 2026-01-27. Review status: criteria provided, single submitter. Criteria: Invitae Variant Classification Sherloc (09022015). Collection method: clinical testing. Allele origin: germline.
Comment: This sequence change replaces asparagine, which is neutral and polar, with serine, which is neutral and polar, at codon 634 of the COL9A2 protein (p.Asn634Ser). This variant is present in population databases (rs769578991, gnomAD 0.007%). This missense change has been observed in individual(s) with COL9A2-related conditions (PMID: 26566670). ClinVar contains an entry for this variant (Variation ID: 1431482). Invitae Evidence Modeling of protein sequence and biophysical properties (such as structural, functional, and spatial information, amino acid conservation, physicochemical variation, residue mobility, and thermodynamic stability) indicates that this missense variant is not expected to disrupt COL9A2 protein function with a negative predictive value of 95%. In summary, the available evidence is currently insufficient to determine the role of this variant in disease. Therefore, it has been classified as a Variant of Uncertain Significance.

Literature cited by the submitters: PubMed 26566670 (cited by Labcorp Genetics (formerly Invitae), Labcorp).